The following is an entry in ClinVar:

ClinVar aggregate classification (germline): Uncertain significance (0 of 4 stars; one submission).

Conditions:
Blepharophimosis. Also called: Blepharophimosis (disease). Identifiers: MedGen C0005744, MONDO:0001008, HP:0000581.
Upslanted palpebral fissure. Identifiers: MedGen C0423109, HP:0000582.
Narrow mouth. Identifiers: MedGen C0026034, HP:0000160.
Clinodactyly of the 5th finger. Identifiers: MedGen C1850049, HP:0004209.
Delayed speech and language development. Also called: Language delay. Identifiers: MedGen C0454644, HP:0000750.
Short philtrum. Identifiers: MedGen C1861324, HP:0000322.

Submission:

Medical Genetics Lab, Policlinico S. Orsola.Malpighi
Classification: Uncertain significance. Last evaluated: 2018-06-01. Review status: no assertion criteria provided. Collection method: clinical testing. Allele origin: de novo. Inheritance: Sporadic. Affected: yes.
Comment: Duplication of 5q31.1 are rare: larger duplications are reported as pathogenic in ClinVar. A smaller one (nssv1609556) involving P4HA2 is reported as likely benign

Literature cited by the submitters: DOI 10.1016/j.gene.2019.05.007.

GRCh37/hg19 5q31.1(chr5:131484039-132998360)x3

Genes: IRF1 (interferon regulatory factor 1; minus strand), ZCCHC10 (zinc finger CCHC-type containing 10; minus strand), SEPTIN8 (septin 8; minus strand), SHROOM1 (shroom family member 1; minus strand), SLC22A4 (solute carrier family 22 member 4; plus strand) and 16 more. Cytogenetic location: 5q31.1.
Variant type: copy number gain.
Change: copy number 3 (three copies instead of two) of chr5:131,484,039-132,998,360 (1.51 Mb, GRCh37 coordinates, 1-based), cytogenetic band 5q31.1.
Identifiers: ClinVar variation 559504 (VCV000559504.2).